The following is an entry in ClinVar:

NM_000094.4(COL7A1):c.3473del (p.Pro1158fs)

Gene: COL7A1 (collagen type VII alpha 1 chain; minus strand). Cytogenetic location: 3p21.31.
Variant type: Deletion.
Coding change: c.3473del on transcript NM_000094.4 (MANE Select); coding-DNA position 3473, one base deleted (C; older notation c.3473delC).
Protein change: p.Pro1158fs; shifts the reading frame from proline 1158.
Molecular consequence: frameshift variant.
Genome position (GRCh38, 1-based): chr3:48,586,409, G deleted on the plus strand (C on the coding strand, the reverse complement: COL7A1 is on the minus strand); the first of 2 consecutive G bases (chr3:48,586,409-48,586,410); deleting either gives the same sequence. VCF-style (leftmost placement, unchanged base first): chr3-48586408-TG-T. GRCh37 (hg19) VCF-style: chr3-48623841-TG-T.
Other names: short protein forms P1158fs.
Identifiers: ClinVar variation 954862 (VCV000954862.8), dbSNP rs764605074, ClinGen allele CA2380511.
Genomic context (GRCh38, chr3:48,586,408, plus strand): 5'-ACGGATGGGGCTGAATATGTCACCTCTCAAGGGTTCATCCACTAGCAGAACCATCACCCC[TG>T]GTACGTGCTGGCGGCGCCCAGGAGCATCTGGTGCCAACATGTATCTGTGAGCTGTGACCA-3'

ClinVar aggregate classification (germline): Pathogenic. Review status: criteria provided, multiple submitters, no conflicts (2 of 4 stars). 3 submissions from 3 submitters: Pathogenic (3). Last evaluated 2026-05-17.

Conditions:
Recessive dystrophic epidermolysis bullosa (RDEB). Also called: severe generalized recessive dystrophic epidermolysis bullosa; EPIDERMOLYSIS BULLOSA DYSTROPHICA, GENERALIZED SEVERE, AUTOSOMAL RECESSIVE; Epidermolysis Bullosa Distrophica Autosomal Recessive (RDEB); DYSTROPHIC EPIDERMOLYSIS BULLOSA, AUTOSOMAL RECESSIVE; EPIDERMOLYSIS BULLOSA DYSTROPHICA, HALLOPEAU-SIEMENS TYPE; epidermolysis bullosa dystrophica, autosomal recessive. Identifiers: Orphanet 79408, Orphanet 79409, MedGen C0079474, MONDO:0009179, OMIM 226600.
Epidermolysis bullosa dystrophica. Also called: Dystrophic epidermolysis bullosa, Hallopeau-Siemens type (formerly); Dystrophic epidermolysis bullosa. Identifiers: Orphanet 303, MedGen C0079294, MONDO:0006543.

Submissions (3):

Myriad Genetics, Inc.
Classification: Pathogenic for Recessive dystrophic epidermolysis bullosa. Last evaluated: 2026-05-17. Review status: criteria provided, single submitter. Criteria: Myriad Autosomal Dominant, Autosomal Recessive and X-Linked Classification Criteria (2023). Collection method: clinical testing. Allele origin: unknown.
Comment: NM_000094.3(COL7A1):c.3473delC(P1158Qfs*3) is expected to be pathogenic in the context of dystrophic epidermolysis bullosa. This variant is predicted to lead to an abnormal or absent protein product due to the creation of a premature termination codon in COL7A1, a gene where loss-of-function variants are known to be pathogenic. Please note: this variant was assessed in the context of healthy population screening.

Natera, Inc.
Classification: Pathogenic for Dystrophic epidermolysis bullosa. Last evaluated: 2024-08-20. Review status: criteria provided, single submitter. Criteria: Natera Variant Classification Schema (03/2026). Collection method: clinical testing. Allele origin: germline.
Comment: The c.3473del variant in COL7A1 is a frameshift variant predicted to shift the reading frame beginning at codon 1158 and leads to a stop codon 3 codons downstream. This variant is expected to result in nonsense mediated decay, truncation, or a dysfunctional protein product. This variant is rare in the general population with a frequency below the threshold expected for the associated phenotype(s). This variant has been observed in one or more individuals affected with the associated recessive disease, as either homozygous or compound heterozygous with a second variant (PMID: 15807692). Given the available evidence, this variant is classified as Pathogenic.

Labcorp Genetics (formerly Invitae), Labcorp
Classification: Pathogenic. Last evaluated: 2023-12-30. Review status: criteria provided, single submitter. Criteria: Invitae Variant Classification Sherloc (09022015). Collection method: clinical testing. Allele origin: germline.
Comment: This sequence change creates a premature translational stop signal (p.Pro1158Glnfs*3) in the COL7A1 gene. It is expected to result in an absent or disrupted protein product. Loss-of-function variants in COL7A1 are known to be pathogenic (PMID: 16971478). This variant is present in population databases (rs764605074, gnomAD 0.0009%). This premature translational stop signal has been observed in individual(s) with autosomal recessive epidermolysis bullosa dystrophica (PMID: 15807692). In at least one individual the data is consistent with being in trans (on the opposite chromosome) from a pathogenic variant. ClinVar contains an entry for this variant (Variation ID: 954862). For these reasons, this variant has been classified as Pathogenic.

Literature cited by the submitters: PubMed 15807692 (cited by Natera, Inc. and Labcorp Genetics (formerly Invitae), Labcorp); PubMed 16971478 (cited by Labcorp Genetics (formerly Invitae), Labcorp).